The following is an entry in ClinVar:

NM_001365276.2(TNXB):c.10053C>A (p.Asp3351Glu)

Gene: TNXB (tenascin XB; minus strand). Cytogenetic location: 6p21.33.
Variant type: single nucleotide variant.
Coding change: c.10053C>A on transcript NM_001365276.2 (MANE Select); coding-DNA position 10053, C replaced by A.
Protein change: p.Asp3351Glu; replaces aspartic acid 3351 with glutamic acid.
Molecular consequence: missense variant.
Genome position (GRCh38, 1-based): chr6:32,048,005, G>T on the plus strand (C>A on the coding strand, the complement: TNXB is on the minus strand). VCF-style: chr6-32048005-G-T. GRCh37 (hg19) VCF-style: chr6-32015782-G-T.
Other names: c.10794C>A, p.Asp3598Glu (NM_001428335.1); c.10047C>A, p.Asp3349Glu (NM_019105.8); short protein forms D3349E, D3351E, D3598E.
Identifiers: ClinVar variation 3227219 (VCV003227219.1), dbSNP rs758714743, ClinGen allele CA363532801.

ClinVar aggregate classification (germline): Uncertain significance (1 of 4 stars; one submission).

Conditions:
Cardiovascular phenotype. Identifiers: MedGen CN230736.

Submission:

Ambry Genetics
Classification: Uncertain significance for Cardiovascular phenotype. Last evaluated: 2023-09-30. Review status: criteria provided, single submitter. Criteria: Ambry Variant Classification Scheme 2023. Collection method: clinical testing. Allele origin: germline.
Comment: The p.D3349E variant (also known as c.10047C>A), located in coding exon 29 of the TNXB gene, results from a C to A substitution at nucleotide position 10047. The aspartic acid at codon 3349 is replaced by glutamic acid, an amino acid with highly similar properties. This amino acid position is conserved. In addition, this alteration is predicted to be tolerated by in silico analysis. Since supporting evidence is limited at this time, the clinical significance of this alteration remains unclear.